The following is an entry in ClinVar:

ClinVar aggregate classification (germline): Uncertain significance. Review status: criteria provided, multiple submitters, no conflicts (2 of 4 stars). 3 submissions from 3 submitters: Uncertain significance (3). Last evaluated 2025-10-22.

Conditions:
Hereditary cancer-predisposing syndrome. Also called: Tumor predisposition; Hereditary Cancer Syndrome; Neoplastic Syndromes, Hereditary; Hereditary neoplastic syndrome. Identifiers: Orphanet 140162, MedGen C0027672, MeSH D009386, MONDO:0015356.
Familial melanoma. Also called: Hereditary melanoma; Hereditary cutaneous melanoma. Identifiers: Orphanet 618, MedGen C1512419, MONDO:0018961.

Allele frequency attached by ClinVar (database versions not stated): TOPMed below 0.00001.
gnomAD v4.1: 3 of 1,605,426 alleles (0.00019%); highest among the groups gnomAD compares: South Asian, 0.0022%; no homozygotes.

Submissions (3):

Ambry Genetics
Classification: Uncertain significance for Hereditary cancer-predisposing syndrome. Last evaluated: 2025-10-22. Review status: criteria provided, single submitter. Criteria: Ambry Variant Classification Scheme 2023. Collection method: clinical testing. Allele origin: germline.
Comment: The p.R99W variant (also known as c.295C>T), located in coding exon 2 of the CDKN2A gene, results from a C to T substitution at nucleotide position 295. The arginine at codon 99 is replaced by tryptophan, an amino acid with dissimilar properties. Of note, this variant is also known as c.338C>T (p.P113L)in the p14(ARF) isoform. This alteration has been reported in both sporadic and familial melanoma (Begg CB et al. J. Natl. Cancer Inst. 2005 Oct;97:1507-15;; Orlow I et al. J. Invest. Dermatol. 2007 May;127:1234-43; Potrony M et al. J. Am. Acad. Dermatol. 2014 Nov;71:888-95). Structural analysis of this variant did not show a significant effect of p.R99W on CDKN2A protein stability (Rajasekaran R et al. Biochimie. 2008 Oct;90:1523-9). This amino acid position is not well conserved in available vertebrate species. In addition, the in silico prediction for this alteration is inconclusive. Since supporting evidence is limited at this time, the clinical significance of this alteration remains unclear.

Labcorp Genetics (formerly Invitae), Labcorp
Classification: Uncertain significance for Familial melanoma. Last evaluated: 2025-05-21. Review status: criteria provided, single submitter. Criteria: Invitae Variant Classification Sherloc (09022015). Collection method: clinical testing. Allele origin: germline.
Comment: The CDKN2A gene encodes two different proteins, p16INK4a and p14ARF, which are translated from alternative transcripts with different open reading frames. Both transcripts have been analyzed. We report either the variant with the higher classification or default to the CDKN2A (p16INK4a) variant. This report therefore includes the details for the CDKN2A (p16INK4a) variant. This sequence change replaces arginine, which is basic and polar, with tryptophan, which is neutral and slightly polar, at codon 99 of the CDKN2A (p16INK4a) protein (p.Arg99Trp). This variant is not present in population databases (gnomAD no frequency). This missense change has been observed in individual(s) with melanoma (PMID: 16234564, 26681309). This variant is also known as c.338C>T (p.Pro113Leu) in the CDKN2A (p14ARF) transcript. ClinVar contains an entry for this variant (Variation ID: 483350). An algorithm developed to predict the effect of missense changes on protein structure and function (PolyPhen-2) suggests that this variant is likely to be disruptive. This variant disrupts the p.Arg99 amino acid residue in CDKN2A (p16INK4a). Other variant(s) that disrupt this residue have been determined to be pathogenic (PMID: 19260062, 20340136, 21462282, 23190892). This suggests that this residue is clinically significant, and that variants that disrupt this residue are likely to be disease-causing. In summary, the available evidence is currently insufficient to determine the role of this variant in disease. Therefore, it has been classified as a Variant of Uncertain Significance.

Color Diagnostics, LLC DBA Color Health
Classification: Uncertain significance for Hereditary cancer-predisposing syndrome. Last evaluated: 2020-01-15. Review status: criteria provided, single submitter. Criteria: ACMG Guidelines, 2015. Collection method: clinical testing. Allele origin: germline.
Comment: This missense variant replaces arginine with tryptophan at codon 99 of the CDKN2A (p16INK4A) protein. Computational prediction suggests that this variant may not impact protein structure and function (internally defined REVEL score threshold <= 0.5, PMID: 27666373). Splice site prediction tools suggest that this variant may not impact RNA splicing. To our knowledge, functional studies have not been performed for this variant. This variant has been reported in an individual affected with multiple primary melanoma (PMID: 17218939). This variant has not been identified in the general population by the Genome Aggregation Database (gnomAD). The available evidence is insufficient to determine the role of this variant in disease conclusively. Therefore, this variant is classified as a Variant of Uncertain Significance.

Literature cited by the submitters: PubMed 16234564 (cited by Ambry Genetics and Labcorp Genetics (formerly Invitae), Labcorp); PubMed 17218939 (cited by Ambry Genetics); PubMed 18573309 (cited by Ambry Genetics); PubMed 21462282 (cited by Ambry Genetics and Labcorp Genetics (formerly Invitae), Labcorp); PubMed 25064638 (cited by Ambry Genetics); PubMed 26681309 (cited by Labcorp Genetics (formerly Invitae), Labcorp); PubMed 19260062 (cited by Labcorp Genetics (formerly Invitae), Labcorp); PubMed 20340136 (cited by Labcorp Genetics (formerly Invitae), Labcorp); PubMed 23190892 (cited by Labcorp Genetics (formerly Invitae), Labcorp).

NM_000077.5(CDKN2A):c.295C>T (p.Arg99Trp)

Gene: CDKN2A (cyclin dependent kinase inhibitor 2A; minus strand). Cytogenetic location: 9p21.3.
Variant type: single nucleotide variant.
Coding change: c.295C>T on transcript NM_000077.5; coding-DNA position 295, C replaced by T.
Protein change: p.Arg99Trp; replaces arginine 99 with tryptophan.
Molecular consequence: missense variant (on NM_000077.6). On other transcripts: 3 prime UTR variant (1).
Genome position (GRCh38, 1-based): chr9:21,971,064, G>A on the plus strand (C>T on the coding strand, the complement: CDKN2A is on the minus strand). VCF-style: chr9-21971064-G-A. GRCh37 (hg19) VCF-style: chr9-21971063-G-A.
Other names: c.295C>T, p.Arg99Trp (NM_000077.6, NM_001195132.2); c.142C>T, p.Arg48Trp (NM_001363763.2); c.338C>T, p.Pro113Leu (NM_058195.4); c.*218C>T (NM_058197.5); short protein forms P113L, R99W, R48W.
Identifiers: ClinVar variation 483350 (VCV000483350.19), dbSNP rs34886500, ClinGen allele CA190730072.